The following is an entry in ClinVar:

NM_000081.4(LYST):c.6390C>G (p.Asp2130Glu)

Gene: LYST (lysosomal trafficking regulator; minus strand). Cytogenetic location: 1q42.3.
Variant type: single nucleotide variant.
Coding change: c.6390C>G on transcript NM_000081.4 (MANE Select); coding-DNA position 6390, C replaced by G.
Protein change: p.Asp2130Glu; replaces aspartic acid 2130 with glutamic acid.
Molecular consequence: missense variant.
Genome position (GRCh38, 1-based): chr1:235,759,463, G>C on the plus strand (C>G on the coding strand, the complement: LYST is on the minus strand). VCF-style: chr1-235759463-G-C. GRCh37 (hg19) VCF-style: chr1-235922763-G-C.
Other names: c.6390C>G, p.Asp2130Glu (NM_001301365.1); short protein forms D2130E.
Identifiers: ClinVar variation 1049510 (VCV001049510.1), dbSNP rs1237420442, ClinGen allele CA344942308.
Genomic context (GRCh38, chr1:235,759,463, plus strand): 5'-CAAAGAATTTTGTTTCTTTGATTGGGTGGCAACATAAGTATCTGCAATATTTTGTAACCT[G>C]TCGATACTACAACCCAAACTTCCAGTCAGTTTTTGTGATTGCGTTAGTAGTGAAGAAGTA-3'
Protein context (NP_000072.2, residues 2120-2140): KLTGSLGCSI[Asp2130Glu]RLQNIADTYV

ClinVar aggregate classification (germline): Uncertain significance (0 of 4 stars; one submission).

Submission:

Department of Pathology and Laboratory Medicine, Sinai Health System
Classification: Uncertain significance. Review status: no assertion criteria provided. Collection method: clinical testing. Allele origin: unknown. Affected: yes. Study: The Canadian Open Genetics Repository (COGR).
Comment: The LYST p.Asp2130Glu variant was not identified in the literature nor was it identified in dbSNP, ClinVar, LOVD 3.0 or in the following control databases: the 1000 Genomes Project, the NHLBI GO Exome Sequencing Project, or the Genome Aggregation Database (March 6, 2019, v2.1.1). The p.Asp2130 residue is conserved in mammals but not in more distantly related organisms however computational analyses (PolyPhen-2, SIFT, AlignGVGD, BLOSUM, MutationTaster) do not suggest a high likelihood of impact to the protein; this information is not predictive enough to rule out pathogenicity. The variant occurs outside of the splicing consensus sequence and 1 of 4 in silico or computational prediction software programs (SpliceSiteFinder, MaxEntScan, NNSPLICE, GeneSplicer) predict a greater than 10% difference in splicing; this is not very predictive of pathogenicity. In summary, based on the above information the clinical significance of this variant cannot be determined with certainty at this time. This variant is classified as a variant of uncertain significance.